The following is an entry in ClinVar:

ClinVar aggregate classification (germline): Pathogenic. Review status: criteria provided, multiple submitters, no conflicts (2 of 4 stars). 3 submissions from 3 submitters: Pathogenic (3). Last evaluated 2025-08-20.

Conditions:
Juvenile nephropathic cystinosis. Also called: Intermediate Cystinosis; CYSTINOSIS, LATE-ONSET JUVENILE OR ADOLESCENT NEPHROPATHIC TYPE; Later-Onset (Juvenile) Cystinosis. Identifiers: Orphanet 213, Orphanet 411634, MedGen C0268626, MONDO:0009066, OMIM 219900.
Inborn genetic diseases. Identifiers: MedGen C0950123, MeSH D030342.
Ocular cystinosis. Also called: Non-Nephropathic Cystinosis; Non-Nephropathic (Ocular) Cystinosis. Identifiers: Orphanet 213, Orphanet 411641, MedGen C2931013, MONDO:0009064, OMIM 219750.
Nephropathic cystinosis (CTNS). Also called: Abderhalden Lignac Kaufmann disease; Abderhalden-Kaufmann-Lignac syndrome; CYSTINOSIN, DEFECT OF; LYSOSOMAL CYSTINE TRANSPORT PROTEIN, DEFECT OF. Identifiers: Orphanet 213, Orphanet 411629, MedGen C2931187, MONDO:0100151, OMIM 219800.
Cystinosis. Also called: Cystine diathesis; Cystine storage disease; Cystinoses. Identifiers: Orphanet 213, MedGen C4316899, MONDO:0016239.

Submissions (3):

Natera, Inc.
Classification: Pathogenic for Cystinosis. Last evaluated: 2025-08-20. Review status: criteria provided, single submitter. Criteria: Natera Variant Classification Schema (03/2026). Collection method: clinical testing. Allele origin: germline.
Comment: The c.751_752del variant in CTNS is a frameshift variant predicted to shift the reading frame beginning at codon 251 and leads to a stop codon 44 codons downstream. This variant is expected to result in nonsense mediated decay, truncation, or a dysfunctional protein product. This variant is rare in the general population with a frequency below the threshold expected for the associated phenotype(s). This variant has been observed in one or more individuals affected with the associated recessive disease, as either homozygous or compound heterozygous with a second variant (PMID: 36117148). Given the available evidence, this variant is classified as Pathogenic.

3billion
Classification: Pathogenic for Nephropathic cystinosis. Last evaluated: 2022-09-01. Review status: criteria provided, single submitter. Criteria: ACMG Guidelines, 2015. Collection method: clinical testing. Allele origin: germline. Affected: yes. Observed: 1 homozygote.
Comment: The variant is observed at an extremely low frequency in the gnomAD v2.1.1 dataset (total allele frequency: <0.001%). It is predicted to result in a loss or disruption of normal protein function through nonsense-mediated decay (NMD) or protein truncation. Multiple pathogenic variants are reported downstream of the variant. Therefore, this variant is classified as Pathogenic according to the recommendation of ACMG/AMP guideline.

Labcorp Genetics (formerly Invitae), Labcorp
Classification: Pathogenic for Inborn genetic diseases; Ocular cystinosis; Juvenile nephropathic cystinosis. Last evaluated: 2022-02-22. Review status: criteria provided, single submitter. Criteria: Invitae Variant Classification Sherloc (09022015). Collection method: clinical testing. Allele origin: germline.
Comment: This variant is present in population databases (rs752180212, gnomAD 0.0009%). This sequence change creates a premature translational stop signal (p.Thr251Hisfs*44) in the CTNS gene. It is expected to result in an absent or disrupted protein product. Loss-of-function variants in CTNS are known to be pathogenic (PMID: 9537412, 27102039). This premature translational stop signal has been observed in individuals with infantile nephropathic cystinosis (PMID: 18752449; Invitae). This variant is also known as c.1090_1093delACCAinsCG (T251fsX294). For these reasons, this variant has been classified as Pathogenic.

Literature cited by the submitters: PubMed 36117148 (cited by Natera, Inc.); PubMed 9537412 (cited by Labcorp Genetics (formerly Invitae), Labcorp); PubMed 27102039 (cited by Labcorp Genetics (formerly Invitae), Labcorp); PubMed 18752449 (cited by Labcorp Genetics (formerly Invitae), Labcorp).

NM_004937.3(CTNS):c.751_752del (p.Thr251fs)

Gene: CTNS (cystinosin, lysosomal cystine transporter; plus strand). Cytogenetic location: 17p13.2.
Variant type: Deletion.
Coding change: c.751_752del on transcript NM_004937.3 (MANE Select); coding-DNA positions 751 to 752, 2 bases deleted (AC; older notation c.751_752delAC).
Protein change: p.Thr251fs; shifts the reading frame from threonine 251.
Molecular consequence: frameshift variant.
Genome position (GRCh38, 1-based): chr17:3,658,074-3,658,075, AC deleted; deleting any 2 consecutive bases within chr17:3,658,073-3,658,075 gives the same sequence; the c. name uses the placement nearest the transcript's 3' end. VCF-style (leftmost placement, unchanged base first): chr17-3658072-TCA-T. GRCh37 (hg19) VCF-style: chr17-3561366-TCA-T.
Other names: c.751_752del, p.Thr251fs (NM_001031681.3, NM_001374492.1); c.310_311del, p.Thr104fs (NM_001374493.1, NM_001374494.1, NM_001374495.1 and 1 more transcripts); c.751_752del (NM_004937.2); short protein forms T104fs, T251fs.
Identifiers: ClinVar variation 1705665 (VCV001705665.5), dbSNP rs752180212, ClinGen allele CA8291882.
Genomic context (GRCh38, chr17:3,658,072, plus strand): 5'-GCCAGCGCGTGTCCTGGCCTGCCATCGGCTTCCTGGTGCTCGCGTGGCTCTTCGCATTTG[TCA>T]CCATGATCGTGGCTGCAGTGGGAGTGACCACGTGGCTGCAGTTTCTCTTCTGCTTCTCCT-3'